The following is an entry in ClinVar:

ClinVar aggregate classification (germline): Uncertain significance. Review status: criteria provided, multiple submitters, no conflicts (2 of 4 stars). 2 submissions from 2 submitters: Uncertain significance (2). Last evaluated 2025-03-03.

Allele frequency attached by ClinVar (database versions not stated): ExAC 0.00001; gnomAD 0.00001; gnomAD exomes 0.00001; TOPMed 0.00003.
gnomAD v4.1: 19 of 1,613,258 alleles (0.0012%); highest among the groups gnomAD compares: South Asian, 0.0066%; no homozygotes.

Submissions (2):

Ambry Genetics
Classification: Uncertain significance. Last evaluated: 2025-03-03. Review status: criteria provided, single submitter. Criteria: Ambry Variant Classification Scheme 2023. Collection method: clinical testing. Allele origin: germline.

Labcorp Genetics (formerly Invitae), Labcorp
Classification: Uncertain significance. Last evaluated: 2022-05-15. Review status: criteria provided, single submitter. Criteria: Invitae Variant Classification Sherloc (09022015). Collection method: clinical testing. Allele origin: germline.
Comment: This sequence change replaces alanine, which is neutral and non-polar, with serine, which is neutral and polar, at codon 2 of the COX6A1 protein (p.Ala2Ser). This variant is present in population databases (rs768935203, gnomAD 0.01%). This variant has not been reported in the literature in individuals affected with COX6A1-related conditions. Algorithms developed to predict the effect of missense changes on protein structure and function are either unavailable or do not agree on the potential impact of this missense change (SIFT: "Tolerated"; PolyPhen-2: "Not Available"; Align-GVGD: "Class C0"). In summary, the available evidence is currently insufficient to determine the role of this variant in disease. Therefore, it has been classified as a Variant of Uncertain Significance.

NM_004373.4(COX6A1):c.4G>T (p.Ala2Ser)

Gene: COX6A1 (cytochrome c oxidase subunit 6A1; plus strand). Cytogenetic location: 12q24.31.
Variant type: single nucleotide variant.
Coding change: c.4G>T on transcript NM_004373.4 (MANE Select); coding-DNA position 4, G replaced by T.
Protein change: p.Ala2Ser; replaces alanine 2 with serine.
Molecular consequence: missense variant.
Genome position (GRCh38, 1-based): chr12:120,438,130, G>T. VCF-style: chr12-120438130-G-T. GRCh37 (hg19) VCF-style: chr12-120875933-G-T.
Other names: c.4G>T (NM_004373.2); short protein forms A2S.
Identifiers: ClinVar variation 2143699 (VCV002143699.2), dbSNP rs768935203, ClinGen allele CA6827942.